The following is an entry in ClinVar:

NM_172362.3(KCNH1):c.2300A>G (p.Glu767Gly)

Gene: KCNH1 (potassium voltage-gated channel subfamily H member 1; minus strand). Cytogenetic location: 1q32.2.
Variant type: single nucleotide variant.
Coding change: c.2300A>G on transcript NM_172362.3 (MANE Select); coding-DNA position 2300, A replaced by G.
Protein change: p.Glu767Gly; replaces glutamic acid 767 with glycine.
Molecular consequence: missense variant.
Genome position (GRCh38, 1-based): chr1:210,683,951, T>C on the plus strand (A>G on the coding strand, the complement: KCNH1 is on the minus strand). VCF-style: chr1-210683951-T-C. GRCh37 (hg19) VCF-style: chr1-210857293-T-C.
Other names: c.2219A>G, p.Glu740Gly (NM_002238.4); short protein forms E740G, E767G.
Identifiers: ClinVar variation 2702205 (VCV002702205.3), dbSNP rs2546370887, ClinGen allele CA344871451.

ClinVar aggregate classification (germline): Uncertain significance (1 of 4 stars; one submission).

Submission:

Labcorp Genetics (formerly Invitae), Labcorp
Classification: Uncertain significance. Last evaluated: 2023-12-11. Review status: criteria provided, single submitter. Criteria: Invitae Variant Classification Sherloc (09022015). Collection method: clinical testing. Allele origin: germline.
Comment: This sequence change replaces glutamic acid, which is acidic and polar, with glycine, which is neutral and non-polar, at codon 767 of the KCNH1 protein (p.Glu767Gly). This variant is not present in population databases (gnomAD no frequency). This variant has not been reported in the literature in individuals affected with KCNH1-related conditions. Advanced modeling of protein sequence and biophysical properties (such as structural, functional, and spatial information, amino acid conservation, physicochemical variation, residue mobility, and thermodynamic stability) has been performed at Invitae for this missense variant, however the output from this modeling did not meet the statistical confidence thresholds required to predict the impact of this variant on KCNH1 protein function. In summary, the available evidence is currently insufficient to determine the role of this variant in disease. Therefore, it has been classified as a Variant of Uncertain Significance.